The following is an entry in ClinVar:

ClinVar aggregate classification (germline): Benign/Likely benign. Review status: criteria provided, multiple submitters, no conflicts (2 of 4 stars). 3 submissions from 3 submitters: Benign (1); Likely benign (2). Last evaluated 2025-02-10.

Conditions:
Colorectal cancer, susceptibility to, 12 (CRCS12). Also called: COLORECTAL CANCER, SUSCEPTIBILITY TO, ON CHROMOSOME 12q24. Identifiers: Orphanet 220460, MedGen C3554460, MONDO:0014038, OMIM 615083.
Hereditary cancer-predisposing syndrome. Also called: Tumor predisposition; Hereditary Cancer Syndrome; Hereditary neoplastic syndrome; Neoplastic Syndromes, Hereditary. Identifiers: Orphanet 140162, MedGen C0027672, MeSH D009386, MONDO:0015356.

Allele frequency attached by ClinVar (database versions not stated): gnomAD exomes below 0.00001; TOPMed below 0.00001; ExAC 0.00001.
gnomAD v4.1: 1 of 1,614,126 alleles (0.000062%); highest among the groups gnomAD compares: African/African-American, 0.0013%; no homozygotes.

Submissions (3):

Myriad Genetics, Inc.
Classification: Benign for Colorectal cancer, susceptibility to, 12. Last evaluated: 2025-02-10. Review status: criteria provided, single submitter. Criteria: Myriad Autosomal Dominant, Autosomal Recessive and X-Linked Classification Criteria (2023). Collection method: clinical testing. Allele origin: unknown.
Comment: This variant is considered benign. This variant is a silent/synonymous amino acid change and it is not expected to impact splicing.

Labcorp Genetics (formerly Invitae), Labcorp
Classification: Likely benign. Last evaluated: 2024-05-27. Review status: criteria provided, single submitter. Criteria: Invitae Variant Classification Sherloc (09022015). Collection method: clinical testing. Allele origin: germline.

Ambry Genetics
Classification: Likely benign for Hereditary cancer-predisposing syndrome. Last evaluated: 2016-09-01. Review status: criteria provided, single submitter. Criteria: Ambry Variant Classification Scheme 2023. Collection method: clinical testing. Allele origin: germline.

NM_006231.4(POLE):c.1206C>T (p.Cys402=)

Gene: POLE (DNA polymerase epsilon, catalytic subunit; minus strand). Cytogenetic location: 12q24.33.
Variant type: single nucleotide variant.
Coding change: c.1206C>T on transcript NM_006231.4 (MANE Select); coding-DNA position 1206, C replaced by T.
Protein change: p.Cys402=; no amino-acid change (cysteine 402 retained).
Molecular consequence: synonymous variant.
Genome position (GRCh38, 1-based): chr12:132,675,418, G>A on the plus strand (C>T on the coding strand, the complement: POLE is on the minus strand). VCF-style: chr12-132675418-G-A. GRCh37 (hg19) VCF-style: chr12-133252004-G-A.
Identifiers: ClinVar variation 486116 (VCV000486116.15), dbSNP rs772441931, ClinGen allele CA6894047.